The following is an entry in ClinVar:

ClinVar aggregate classification (germline): Uncertain significance. Review status: criteria provided, multiple submitters, no conflicts (2 of 4 stars). 2 submissions from 2 submitters: Uncertain significance (2). Last evaluated 2025-02-15.

Conditions:
Inborn genetic diseases. Identifiers: MedGen C0950123, MeSH D030342.

Submissions (2):

GeneDx
Classification: Uncertain significance. Last evaluated: 2025-02-15. Review status: criteria provided, single submitter. Criteria: GeneDx Variant Classification Process June 2021. Collection method: clinical testing. Allele origin: germline. Affected: yes.
Comment: In silico analysis indicates that this missense variant does not alter protein structure/function; Has not been previously published as pathogenic or benign to our knowledge

Ambry Genetics
Classification: Uncertain significance for Inborn genetic diseases. Last evaluated: 2025-02-05. Review status: criteria provided, single submitter. Criteria: Ambry Variant Classification Scheme 2023. Collection method: clinical testing. Allele origin: germline.

NM_000529.2(MC2R):c.170C>A (p.Ala57Glu)

Gene: MC2R (melanocortin 2 receptor; minus strand). Cytogenetic location: 18p11.21.
Variant type: single nucleotide variant.
Coding change: c.170C>A on transcript NM_000529.2 (MANE Select); coding-DNA position 170, C replaced by A.
Protein change: p.Ala57Glu; replaces alanine 57 with glutamic acid.
Molecular consequence: missense variant.
Genome position (GRCh38, 1-based): chr18:13,885,349, G>T on the plus strand (C>A on the coding strand, the complement: MC2R is on the minus strand). VCF-style: chr18-13885349-G-T. GRCh37 (hg19) VCF-style: chr18-13885348-G-T.
Other names: c.170C>A, p.Ala57Glu (NM_001291911.1); short protein forms A57E.
Identifiers: ClinVar variation 3871147 (VCV003871147.2).
Genomic context (GRCh38, chr18:13,885,349, plus strand): 5'-TTATATAGGCTGCCCAGCATATCAGATATGGCCAAGCTACAGATGAAAAAGTACATGGGT[G>T]CCTGGAGATTCTTATTCTTGAACACAGCCAGCAGGACGATCAGATTCTCCAAAACTCCAA-3'
Protein context (NP_000520.1, residues 47-67): LAVFKNKNLQ[Ala57Glu]PMYFFICSLA